The following is an entry in ClinVar:

NM_007272.3(CTRC):c.180C>A (p.Gly60=)

Gene: CTRC (chymotrypsin C; plus strand). Cytogenetic location: 1p36.21.
Variant type: single nucleotide variant.
Coding change: c.180C>A on transcript NM_007272.3 (MANE Select); coding-DNA position 180, C replaced by A.
Protein change: p.Gly60=; no amino-acid change (glycine 60 retained).
Molecular consequence: synonymous variant.
Genome position (GRCh38, 1-based): chr1:15,440,540, C>A. VCF-style: chr1-15440540-C-A. GRCh37 (hg19) VCF-style: chr1-15767036-C-A.
Other names: p.Gly60=.
Identifiers: ClinVar variation 240763 (VCV000240763.36), dbSNP rs497078, ClinGen allele CA613252.

ClinVar aggregate classification (germline): Benign/Likely benign. Review status: criteria provided, multiple submitters, no conflicts (2 of 4 stars). 9 submissions from 9 submitters: Benign (6); Likely benign (2). 1 of the submissions does not count toward it. Last evaluated 2026-01-28.

Conditions:
Hereditary pancreatitis (PCTT). Also called: Hereditary chronic pancreatitis; PRSS1-Related Hereditary Pancreatitis. Identifiers: Orphanet 676, MedGen C0238339, MONDO:0008185, OMIM 167800.

Allele frequency attached by ClinVar (database versions not stated): 1000 Genomes Project 30x 0.01796; 1000 Genomes Project 0.01797.

Submissions (9):

Labcorp Genetics (formerly Invitae), Labcorp
Classification: Benign for Hereditary pancreatitis. Last evaluated: 2026-01-28. Review status: criteria provided, single submitter. Criteria: Invitae Variant Classification Sherloc (09022015). Collection method: clinical testing. Allele origin: germline.

ARUP Laboratories, Molecular Genetics and Genomics, ARUP Laboratories
Classification: Benign for Hereditary pancreatitis. Last evaluated: 2025-07-30. Review status: criteria provided, single submitter. Criteria: ARUP Molecular Germline Variant Investigation Process 2024. Collection method: clinical testing. Allele origin: germline.

Mayo Clinic Laboratories, Mayo Clinic
Classification: Benign. Last evaluated: 2023-02-16. Review status: criteria provided, single submitter. Criteria: ACMG Guidelines, 2015. Collection method: clinical testing. Allele origin: germline. Observed: 41 variant alleles.

GeneDx
Classification: Benign. Last evaluated: 2018-06-22. Review status: criteria provided, single submitter. Criteria: GeneDx Variant Classification Process June 2021. Collection method: clinical testing. Allele origin: germline. Affected: yes.

Illumina Laboratory Services, Illumina
Classification: Benign for Hereditary pancreatitis. Last evaluated: 2017-04-27. Review status: criteria provided, single submitter. Criteria: ICSL Variant Classification Criteria 13 December 2019. Collection method: clinical testing. Allele origin: germline.
Comment: This variant was observed as part of a predisposition screen in an ostensibly healthy population. A literature search was performed for the gene, cDNA change, and amino acid change (where applicable). No publications were found based on this search. Allele frequency data from public databases was too high to be consistent with this variant causing disease. Therefore, this variant is classified as benign.

Ambry Genetics
Classification: Likely benign for Hereditary pancreatitis. Last evaluated: 2014-10-20. Review status: criteria provided, single submitter. Criteria: Ambry Variant Classification Scheme 2023. Collection method: clinical testing. Allele origin: germline.

Breakthrough Genomics
Classification: Likely benign. Review status: criteria provided, single submitter. Criteria: ACMG Guidelines, 2015. Collection method: not provided. Allele origin: germline. Inheritance: Autosomal dominant inheritance. Affected: yes.

PreventionGenetics, part of Exact Sciences
Classification: Benign. Review status: criteria provided, single submitter. Criteria: ACMG Guidelines, 2015. Collection method: clinical testing. Allele origin: germline.

GeneReviews
Classification: association for Hereditary pancreatitis. Last evaluated: 2014-03-13. Review status: no assertion criteria provided. Collection method: literature only. Allele origin: germline. Affected: yes. Not counted in ClinVar's aggregate classification.

Literature cited by the submitters: PubMed 18172691 (cited by GeneReviews).